The following is an entry in ClinVar:

NM_003718.5(CDK13):c.4313C>A (p.Ala1438Glu)

Gene: CDK13 (cyclin dependent kinase 13; plus strand). Cytogenetic location: 7p14.1.
Variant type: single nucleotide variant.
Coding change: c.4313C>A on transcript NM_003718.5 (MANE Select); coding-DNA position 4313, C replaced by A.
Protein change: p.Ala1438Glu; replaces alanine 1438 with glutamic acid.
Molecular consequence: missense variant.
Genome position (GRCh38, 1-based): chr7:40,094,754, C>A. VCF-style: chr7-40094754-C-A. GRCh37 (hg19) VCF-style: chr7-40134353-C-A.
Other names: c.4133C>A, p.Ala1378Glu (NM_031267.4); short protein forms A1378E, A1438E.
Identifiers: ClinVar variation 1719494 (VCV001719494.6), dbSNP rs1402693897, ClinGen allele CA367296905.

ClinVar aggregate classification (germline): Uncertain significance (1 of 4 stars; one submission).

Submission:

Labcorp Genetics (formerly Invitae), Labcorp
Classification: Uncertain significance. Last evaluated: 2022-11-01. Review status: criteria provided, single submitter. Criteria: Invitae Variant Classification Sherloc (09022015). Collection method: clinical testing. Allele origin: germline.
Comment: In summary, the available evidence is currently insufficient to determine the role of this variant in disease. Therefore, it has been classified as a Variant of Uncertain Significance. Advanced modeling of protein sequence and biophysical properties (such as structural, functional, and spatial information, amino acid conservation, physicochemical variation, residue mobility, and thermodynamic stability) performed at Invitae indicates that this missense variant is not expected to disrupt CDK13 protein function. This variant has not been reported in the literature in individuals affected with CDK13-related conditions. This variant is not present in population databases (gnomAD no frequency). This sequence change replaces alanine, which is neutral and non-polar, with glutamic acid, which is acidic and polar, at codon 1438 of the CDK13 protein (p.Ala1438Glu).